The following is an entry in ClinVar:

NM_022124.6(CDH23):c.4688T>C (p.Leu1563Pro)

Gene: CDH23 (cadherin related 23; plus strand). Cytogenetic location: 10q22.1.
Variant type: single nucleotide variant.
Coding change: c.4688T>C on transcript NM_022124.6 (MANE Select); coding-DNA position 4688, T replaced by C.
Protein change: p.Leu1563Pro; replaces leucine 1563 with proline.
Molecular consequence: missense variant.
Genome position (GRCh38, 1-based): chr10:71,741,764, T>C. VCF-style: chr10-71741764-T-C. GRCh37 (hg19) VCF-style: chr10-73501521-T-C.
Other names: short protein forms L1563P.
Identifiers: ClinVar variation 4816081 (VCV004816081.2).
Genomic context (GRCh38, chr10:71,741,764, plus strand): 5'-GAGGTACTGCTGTGGTCCAGGTGAGAGCCACTGACCGTGACATCGGGATCAACAGTGTTC[T>C]GTCCTACTACATCACCGAGGGCAACAAGGACATGGCCTTCCGCATGGACCGCATCAGCGG-3'
Protein context (NP_071407.4, residues 1553-1573): TDRDIGINSV[Leu1563Pro]SYYITEGNKD

ClinVar aggregate classification (germline): Likely pathogenic. Review status: criteria provided, multiple submitters, no conflicts (2 of 4 stars). 2 submissions from 2 submitters: Likely pathogenic (2). Last evaluated 2024-11-13.

Conditions:
CDH23-related disorder. Also called: CDH23-related condition; CDH23-related disorders.
Usher syndrome type 1 (USH1). Also called: RETINITIS PIGMENTOSA AND CONGENITAL DEAFNESS. Identifiers: Orphanet 231169, Orphanet 886, MedGen C1568247, MONDO:0010168, OMIM 276900.

gnomAD v4.1: 18 of 1,612,798 alleles (0.0011%); highest among the groups gnomAD compares: South Asian, 0.02%; no homozygotes.

Submissions (2):

Natera, Inc.
Classification: Likely pathogenic for Usher syndrome type 1. Last evaluated: 2024-11-13. Review status: criteria provided, single submitter. Criteria: Natera Variant Classification Schema (03/2026). Collection method: clinical testing. Allele origin: germline.
Comment: The c.4688T>C variant in CDH23 is a missense variant predicted to cause substitution of leucine to proline at amino acid 1563. This variant is rare in the general population with a frequency below the threshold expected for the associated phenotype(s). This variant has been observed in one or more individuals affected with the associated recessive disease, as either homozygous or compound heterozygous with a second variant (PMID: 33187236, 21940737). Additionally, this variant has been observed to segregate in affected family members (PMID: 21940737). Computational prediction algorithms indicate this variant is likely to affect gene or protein function. Given the available evidence, this variant is classified as Likely Pathogenic.

Blueprint Genetics
Classification: Likely pathogenic for CDH23-related disorders. Last evaluated: 2023-02-09. Review status: criteria provided, single submitter. Criteria: ACMG Guidelines, 2015. Collection method: clinical testing. Allele origin: germline. Affected: yes. Observed: 3 variant alleles.

Literature cited by the submitters: PubMed 33187236 (cited by Natera, Inc.); PubMed 21940737 (cited by Natera, Inc.).